The following is an entry in ClinVar:

NM_002894.3(RBBP8):c.517G>A (p.Val173Ile)

Gene: RBBP8 (RB binding protein 8, endonuclease; plus strand). Cytogenetic location: 18q11.2.
Variant type: single nucleotide variant.
Coding change: c.517G>A on transcript NM_002894.3 (MANE Select); coding-DNA position 517, G replaced by A.
Protein change: p.Val173Ile; replaces valine 173 with isoleucine.
Molecular consequence: missense variant.
Genome position (GRCh38, 1-based): chr18:22,982,306, G>A. VCF-style: chr18-22982306-G-A. GRCh37 (hg19) VCF-style: chr18-20562269-G-A.
Other names: c.517G>A, p.Val173Ile (NM_203291.2, NM_203292.2); c.517G>A (NM_002894.2); short protein forms V173I.
Identifiers: ClinVar variation 2082803 (VCV002082803.3), dbSNP rs372640326, ClinGen allele CA8909845.

ClinVar aggregate classification (germline): Conflicting classifications of pathogenicity. Review status: criteria provided, conflicting classifications (1 of 4 stars). 2 submissions from 2 submitters: Uncertain significance (1); Likely benign (1). Last evaluated 2023-03-27.

Conditions:
Inborn genetic diseases. Identifiers: MedGen C0950123, MeSH D030342.

Allele frequency attached by ClinVar (database versions not stated): gnomAD 0.00003; gnomAD exomes 0.00003; ExAC 0.00004; TOPMed 0.00004; ESP Exome Variant Server 0.00008.
gnomAD v4.1: 44 of 1,614,012 alleles (0.0027%); highest among the groups gnomAD compares: Non-Finnish European, 0.0035%; no homozygotes.

Submissions (2):

Ambry Genetics
Classification: Likely benign for Inborn genetic diseases. Last evaluated: 2023-03-27. Review status: criteria provided, single submitter. Criteria: Ambry Variant Classification Scheme 2023. Collection method: clinical testing. Allele origin: germline.

Labcorp Genetics (formerly Invitae), Labcorp
Classification: Uncertain significance. Last evaluated: 2022-06-18. Review status: criteria provided, single submitter. Criteria: Invitae Variant Classification Sherloc (09022015). Collection method: clinical testing. Allele origin: germline.
Comment: This sequence change replaces valine, which is neutral and non-polar, with isoleucine, which is neutral and non-polar, at codon 173 of the RBBP8 protein (p.Val173Ile). This variant is present in population databases (rs372640326, gnomAD 0.005%). This variant has not been reported in the literature in individuals affected with RBBP8-related conditions. Algorithms developed to predict the effect of missense changes on protein structure and function output the following: SIFT: "Tolerated"; PolyPhen-2: "Benign"; Align-GVGD: "Class C0". The isoleucine amino acid residue is found in multiple mammalian species, which suggests that this missense change does not adversely affect protein function. In summary, the available evidence is currently insufficient to determine the role of this variant in disease. Therefore, it has been classified as a Variant of Uncertain Significance.